The following is an entry in ClinVar:

ClinVar aggregate classification (germline): Uncertain significance. Review status: criteria provided, multiple submitters, no conflicts (2 of 4 stars). 2 submissions from 2 submitters: Uncertain significance (2). Last evaluated 2024-05-28.

Conditions:
Inborn genetic diseases. Identifiers: MedGen C0950123, MeSH D030342.

Submissions (2):

Ambry Genetics
Classification: Uncertain significance for Inborn genetic diseases. Last evaluated: 2024-05-28. Review status: criteria provided, single submitter. Criteria: Ambry Variant Classification Scheme 2023. Collection method: clinical testing. Allele origin: germline.

GeneDx
Classification: Uncertain significance. Last evaluated: 2021-12-07. Review status: criteria provided, single submitter. Criteria: GeneDx Variant Classification Process June 2021. Collection method: clinical testing. Allele origin: germline. Affected: yes.
Comment: Not observed at significant frequency in large population cohorts (gnomAD); In silico analysis supports that this missense variant does not alter protein structure/function; Has not been previously published as pathogenic or benign to our knowledge

NM_016284.5(CNOT1):c.1041A>T (p.Glu347Asp)

Gene: CNOT1 (CCR4-NOT transcription complex subunit 1; minus strand). Cytogenetic location: 16q21.
Variant type: single nucleotide variant.
Coding change: c.1041A>T on transcript NM_016284.5 (MANE Select); coding-DNA position 1041, A replaced by T.
Protein change: p.Glu347Asp; replaces glutamic acid 347 with aspartic acid.
Molecular consequence: missense variant. On other transcripts: non-coding transcript variant (1).
Genome position (GRCh38, 1-based): chr16:58,582,796, T>A on the plus strand (A>T on the coding strand, the complement: CNOT1 is on the minus strand). VCF-style: chr16-58582796-T-A. GRCh37 (hg19) VCF-style: chr16-58616700-T-A.
Other names: c.1041A>T, p.Glu347Asp (NM_001265612.2, NM_206999.3); c.1041A>T (NM_016284.3); short protein forms E347D.
Identifiers: ClinVar variation 1695833 (VCV001695833.3), dbSNP rs2151976580, ClinGen allele CA396150002.